The following is an entry in ClinVar:

ClinVar aggregate classification (germline): Uncertain significance (1 of 4 stars; one submission).

Conditions:
ALG8 congenital disorder of glycosylation. Also called: CONGENITAL DISORDER OF GLYCOSYLATION, TYPE Ih; CDG Ih; ALG8-CDG. Identifiers: Orphanet 79325, MedGen C2931002, MONDO:0011969, OMIM 608104.

gnomAD v4.1: 28 of 1,614,026 alleles (0.0017%); highest among the groups gnomAD compares: Non-Finnish European, 0.0023%; no homozygotes.

Submission:

Labcorp Genetics (formerly Invitae), Labcorp
Classification: Uncertain significance for ALG8 congenital disorder of glycosylation. Last evaluated: 2026-01-14. Review status: criteria provided, single submitter. Criteria: Invitae Variant Classification Sherloc (09022015). Collection method: clinical testing. Allele origin: germline.
Comment: This sequence change replaces tryptophan, which is neutral and slightly polar, with arginine, which is basic and polar, at codon 63 of the ALG8 protein (p.Trp63Arg). This variant is present in population databases (rs372652549, gnomAD 0.003%). This missense change has been observed in individual(s) with clinical features of ALG8-related conditions (PMID: 33960646). Invitae Evidence Modeling of protein sequence and biophysical properties (such as structural, functional, and spatial information, amino acid conservation, physicochemical variation, residue mobility, and thermodynamic stability) indicates that this missense variant is expected to disrupt ALG8 protein function with a positive predictive value of 80%. In summary, the available evidence is currently insufficient to determine the role of this variant in disease. Therefore, it has been classified as a Variant of Uncertain Significance.

Literature cited by the submitters: PubMed 33960646.

NM_024079.5(ALG8):c.187T>C (p.Trp63Arg)

Gene: ALG8 (ALG8 alpha-1,3-glucosyltransferase; minus strand). Cytogenetic location: 11q14.1.
Variant type: single nucleotide variant.
Coding change: c.187T>C on transcript NM_024079.5 (MANE Select); coding-DNA position 187, T replaced by C.
Protein change: p.Trp63Arg; replaces tryptophan 63 with arginine.
Molecular consequence: missense variant. On other transcripts: 5 prime UTR variant (4), non-coding transcript variant (2), intron variant (1).
Genome position (GRCh38, 1-based): chr11:78,124,202, A>G on the plus strand (T>C on the coding strand, the complement: ALG8 is on the minus strand). VCF-style: chr11-78124202-A-G. GRCh37 (hg19) VCF-style: chr11-77835248-A-G.
Other names: c.187T>C, p.Trp63Arg (NM_001007027.3, NM_001425220.1, NM_001425221.1 and 14 more transcripts); c.190T>C, p.Trp64Arg (NM_001425219.1); c.34T>C, p.Trp12Arg (NM_001425226.1, NM_001425235.1, NM_001425236.1); c.-78T>C (NM_001425234.1, NM_001425239.1); c.-326T>C (NM_001425241.1); c.-364T>C (NM_001425242.1); c.96-110T>C (NM_001425231.1); short protein forms W64R, W12R, W63R.
Identifiers: ClinVar variation 4723208 (VCV004723208.1).